The following is an entry in ClinVar:

ClinVar aggregate classification (germline): Likely benign. Review status: criteria provided, multiple submitters, no conflicts (2 of 4 stars). 2 submissions from 2 submitters: Likely benign (2). Last evaluated 2024-06-22.

Conditions:
Arginine:glycine amidinotransferase deficiency (CCDS3). Also called: L-Arginine:Glycine Amidinotransferase Deficiency; L-Arginine:Glycine Amidinotransferase (AGAT) Deficiency; AGAT deficiency; Creatine deficiency syndrome due to AGAT deficiency; GATM deficiency; Cerebral creatine deficiency syndrome 3. Identifiers: Orphanet 35704, MedGen C2675179, MONDO:0012996, OMIM 612718.

gnomAD v4.1: 1 of 1,614,126 alleles (0.000062%); highest among the groups gnomAD compares: Non-Finnish European, 0.000085%; no homozygotes.

Submissions (2):

Labcorp Genetics (formerly Invitae), Labcorp
Classification: Likely benign for Arginine:glycine amidinotransferase deficiency. Last evaluated: 2024-06-22. Review status: criteria provided, single submitter. Criteria: Invitae Variant Classification Sherloc (09022015). Collection method: clinical testing. Allele origin: germline.

GeneDx
Classification: Likely benign. Last evaluated: 2018-06-12. Review status: criteria provided, single submitter. Criteria: GeneDx Variant Classification (06012015). Collection method: clinical testing. Allele origin: germline. Affected: yes.
Comment: This variant is considered likely benign or benign based on one or more of the following criteria: it is a conservative change, it occurs at a poorly conserved position in the protein, it is predicted to be benign by multiple in silico algorithms, and/or has population frequency not consistent with disease.

NM_001482.3(GATM):c.814-12T>C

Gene: GATM (glycine amidinotransferase; minus strand). Cytogenetic location: 15q21.1.
Variant type: single nucleotide variant.
Coding change: c.814-12T>C on transcript NM_001482.3 (MANE Select); 12 bases into the intron before coding-DNA position 814, T replaced by C.
Molecular consequence: intron variant.
Genome position (GRCh38, 1-based): chr15:45,366,222, A>G on the plus strand (T>C on the coding strand, the complement: GATM is on the minus strand). VCF-style: chr15-45366222-A-G. GRCh37 (hg19) VCF-style: chr15-45658420-A-G.
Other names: c.427-12T>C (NM_001321015.2).
Identifiers: ClinVar variation 669731 (VCV000669731.4), dbSNP rs1595482667, ClinGen allele CA915946575.